The following is an entry in ClinVar:

NM_201384.3(PLEC):c.2844C>T (p.Pro948=)

Gene: PLEC (plectin; minus strand). Cytogenetic location: 8q24.3.
Variant type: single nucleotide variant.
Coding change: c.2844C>T on transcript NM_201384.3 (MANE Select); coding-DNA position 2844, C replaced by T.
Protein change: p.Pro948=; no amino-acid change (proline 948 retained).
Molecular consequence: synonymous variant.
Genome position (GRCh38, 1-based): chr8:143,929,725, G>A on the plus strand (C>T on the coding strand, the complement: PLEC is on the minus strand). VCF-style: chr8-143929725-G-A. GRCh37 (hg19) VCF-style: chr8-145003893-G-A.
Other names: p.Pro934=; c.2925C>T, p.Pro975= (NM_000445.5); c.2802C>T, p.Pro934= (NM_201378.4); c.2778C>T, p.Pro926= (NM_201379.3); c.3255C>T, p.Pro1085= (NM_201380.4); c.2748C>T, p.Pro916= (NM_201381.3); c.2844C>T, p.Pro948= (NM_201382.4); c.2856C>T, p.Pro952= (NM_201383.3).
Identifiers: ClinVar variation 195801 (VCV000195801.57), dbSNP rs200482255, ClinGen allele CA242402.
Genomic context (GRCh38, chr8:143,929,725, plus strand): 5'-CAGCTGCTGGTAGTGGTGGCTGCAGGAGCCGTACTCGCGCTCAGCCATCAGCCGGTCCTC[G>A]GGTCCGAAGCCGCCCGCGTCCTGGCTGTCCCGCAGGAAGGCCTGGTAGTGCAGCTCCAGG-3'
Protein context (NP_958786.1, residues 938-958): RDSQDAGGFG[Pro948=]EDRLMAEREY

ClinVar aggregate classification (germline): Conflicting classifications of pathogenicity. Review status: criteria provided, conflicting classifications (1 of 4 stars). 11 submissions from 11 submitters: Uncertain significance (1); Benign (1); Likely benign (6). 3 of the submissions do not count toward it. Last evaluated 2026-02-01.

Conditions:
Epidermolysis bullosa simplex, Ogna type (EBS5A). Also called: Pidermolysis bullosa simplex 5A, Ogna type; EPIDERMOLYSIS BULLOSA SIMPLEX 5A, OGNA TYPE. Identifiers: Orphanet 79401, MedGen C0432317, MONDO:0007555, OMIM 131950.
Epidermolysis bullosa simplex 5C, with pyloric atresia (EBS5C). Also called: PLEC-Related Epidermolysis Bullosa with Pyloric Atresia; Epidermolysis bullosa simplex with pyloric atresia; PLEC1-Related Epidermolysis Bullosa with Pyloric Atresia. Identifiers: Orphanet 158684, MedGen C2677349, MONDO:0012807, OMIM 612138.
Autosomal recessive limb-girdle muscular dystrophy type 2Q (LGMDR17). Also called: MUSCULAR DYSTROPHY, LIMB-GIRDLE, AUTOSOMAL RECESSIVE 17. Identifiers: Orphanet 254361, MedGen C3150989, MONDO:0013390, OMIM 613723.
Epidermolysis bullosa simplex with nail dystrophy (EBS5D). Identifiers: MedGen C4225309, MONDO:0014661, OMIM 616487.
Epidermolysis bullosa simplex 5B, with muscular dystrophy (EBS5B). Also called: EPIDERMOLYSIS BULLOSA SIMPLEX AND LIMB-GIRDLE MUSCULAR DYSTROPHY; Epidermolysis bullosa simplex with muscular dystrophy. Identifiers: Orphanet 257, MedGen C2931072, MONDO:0009181, OMIM 226670.

Allele frequency attached by ClinVar (database versions not stated): ESP Exome Variant Server 0.00082; gnomAD exomes 0.00094; TOPMed 0.00098; ExAC 0.00099; gnomAD 0.00104 and 0.00105; 1000 Genomes Project 0.00040; 1000 Genomes Project 30x 0.00047.
gnomAD v4.1: 2,387 of 1,599,786 alleles (0.15%); highest among the groups gnomAD compares: Non-Finnish European, 0.18%; 5 homozygotes.

Submissions (11):

Labcorp Genetics (formerly Invitae), Labcorp
Classification: Likely benign for Autosomal recessive limb-girdle muscular dystrophy type 2Q; Epidermolysis bullosa simplex, Ogna type; Epidermolysis bullosa simplex with nail dystrophy; Epidermolysis bullosa simplex 5C, with pyloric atresia; Epidermolysis bullosa simplex 5B, with muscular dystrophy. Last evaluated: 2026-02-01. Review status: criteria provided, single submitter. Criteria: Invitae Variant Classification Sherloc (09022015). Collection method: clinical testing. Allele origin: germline.

CeGaT Center for Human Genetics Tuebingen
Classification: Likely benign. Last evaluated: 2025-12-01. Review status: criteria provided, single submitter. Criteria: CeGaT Center For Human Genetics Tuebingen Variant Classification Criteria Version 2. Collection method: clinical testing. Allele origin: germline. Affected: yes. Observed: 6 variant alleles.
Comment: PLEC: BP4, BP7

Mayo Clinic Laboratories, Mayo Clinic
Classification: Likely benign. Last evaluated: 2025-09-17. Review status: criteria provided, single submitter. Criteria: ACMG Guidelines, 2015. Collection method: clinical testing. Allele origin: germline. Observed: 4 variant alleles.
Comment: BS1, BP4, BP7

Women's Health and Genetics/Laboratory Corporation of America, LabCorp
Classification: Likely benign. Last evaluated: 2025-04-21. Review status: criteria provided, single submitter. Criteria: LabCorp Variant Classification Summary - May 2015. Collection method: clinical testing. Allele origin: germline.

Blueprint Genetics
Classification: Likely benign. Last evaluated: 2024-10-16. Review status: criteria provided, single submitter. Criteria: ACMG Guidelines, 2015. Collection method: clinical testing. Allele origin: germline.

GeneDx
Classification: Likely benign. Last evaluated: 2021-02-12. Review status: criteria provided, single submitter. Criteria: GeneDx Variant Classification Process June 2021. Collection method: clinical testing. Allele origin: germline. Affected: yes.

Athena Diagnostics
Classification: Benign. Last evaluated: 2020-03-17. Review status: criteria provided, single submitter. Criteria: Athena Diagnostics Criteria. Collection method: clinical testing. Allele origin: unknown.

Eurofins Ntd Llc (ga)
Classification: Uncertain significance. Last evaluated: 2015-12-08. Review status: criteria provided, single submitter. Criteria: EGL Classification Definitions 2015. Collection method: clinical testing. Allele origin: germline. Observed: 6 variant alleles, 6 heterozygotes.

Clinical Genetics DNA and cytogenetics Diagnostics Lab, Erasmus MC, Erasmus Medical Center
Classification: Likely benign. Review status: no assertion criteria provided. Collection method: clinical testing. Allele origin: germline. Affected: yes. Study: VKGL Data-share Consensus. Not counted in ClinVar's aggregate classification.

Diagnostic Laboratory, Department of Genetics, University Medical Center Groningen
Classification: Likely benign. Review status: no assertion criteria provided. Collection method: clinical testing. Allele origin: germline. Affected: yes. Study: VKGL Data-share Consensus. Not counted in ClinVar's aggregate classification.

Laboratory of Diagnostic Genome Analysis, Leiden University Medical Center (LUMC)
Classification: Likely benign. Review status: no assertion criteria provided. Collection method: clinical testing. Allele origin: germline. Affected: yes. Study: VKGL Data-share Consensus. Not counted in ClinVar's aggregate classification.